The following is an entry in ClinVar:

NM_021067.5(GINS1):c.533C>T (p.Pro178Leu)

Gene: GINS1 (GINS complex subunit 1; plus strand). Cytogenetic location: 20p11.21.
Variant type: single nucleotide variant.
Coding change: c.533C>T on transcript NM_021067.5 (MANE Select); coding-DNA position 533, C replaced by T.
Protein change: p.Pro178Leu; replaces proline 178 with leucine.
Molecular consequence: missense variant. On other transcripts: non-coding transcript variant (1).
Genome position (GRCh38, 1-based): chr20:25,445,933, C>T. VCF-style: chr20-25445933-C-T. GRCh37 (hg19) VCF-style: chr20-25426569-C-T.
Other names: c.416C>T, p.Pro139Leu (NM_001410830.1); c.278C>T, p.Pro93Leu (NM_001410831.1); short protein forms P178L, P139L, P93L.
Identifiers: ClinVar variation 1928393 (VCV001928393.5), dbSNP rs758457036, ClinGen allele CA9796589.

ClinVar aggregate classification (germline): Uncertain significance (1 of 4 stars; one submission).

Allele frequency attached by ClinVar (database versions not stated): gnomAD 0.00001; ExAC 0.00004.
gnomAD v4.1: 11 of 1,605,872 alleles (0.00068%); highest among the groups gnomAD compares: Admixed American, 0.018%; no homozygotes.

Submission:

Labcorp Genetics (formerly Invitae), Labcorp
Classification: Uncertain significance. Last evaluated: 2025-10-17. Review status: criteria provided, single submitter. Criteria: Invitae Variant Classification Sherloc (09022015). Collection method: clinical testing. Allele origin: germline.
Comment: This sequence change replaces proline, which is neutral and non-polar, with leucine, which is neutral and non-polar, at codon 178 of the GINS1 protein (p.Pro178Leu). This variant is present in population databases (rs758457036, gnomAD 0.02%). This variant has not been reported in the literature in individuals affected with GINS1-related conditions. ClinVar contains an entry for this variant (Variation ID: 1928393). An algorithm developed to predict the effect of missense changes on protein structure and function (PolyPhen-2) suggests that this variant is likely to be tolerated. In summary, the available evidence is currently insufficient to determine the role of this variant in disease. Therefore, it has been classified as a Variant of Uncertain Significance.